The following is an entry in ClinVar:

ClinVar aggregate classification (germline): Uncertain significance. Review status: criteria provided, multiple submitters, no conflicts (2 of 4 stars). 2 submissions from 2 submitters: Uncertain significance (2). Last evaluated 2024-07-20.

Conditions:
Familial adenomatous polyposis 1 (FAP1). Also called: FAMILIAL ADENOMATOUS POLYPOSIS 1, ATTENUATED; POLYPOSIS, ADENOMATOUS INTESTINAL. Identifiers: MedGen C2713442, MONDO:0021056, OMIM 175100. Disease mechanism: loss of function.
Classic or attenuated familial adenomatous polyposis. Identifiers: MedGen CN372698, MONDO:0021057.

Submissions (2):

All of Us Research Program, National Institutes of Health
Classification: Uncertain significance for Classic or attenuated familial adenomatous polyposis. Last evaluated: 2024-07-20. Review status: criteria provided, single submitter. Criteria: ACMG Guidelines, 2015. Collection method: clinical testing. Allele origin: germline. Inheritance: Autosomal dominant inheritance. Observed: 1 variant allele, 1 heterozygote.
Comment: This variant deletes one nucleotide at position -30349 in the promoter region of the APC gene. To our knowledge, functional studies have not been reported for this variant. This variant has not been reported in individuals affected with APC-related disorders in the literature. This variant has not been identified in the general population by the Genome Aggregation Database (gnomAD). The available evidence is insufficient to determine the role of this variant in disease conclusively. Therefore, this variant is classified as a Variant of Uncertain Significance.

This study involves interpretation of variants in research participants for the purpose of population health screening. Participant phenotype was not available at the time of variant classification. Additional details can be found in publication PMID: 35346344, PMCID: PMC8962531

Labcorp Genetics (formerly Invitae), Labcorp
Classification: Uncertain significance for Familial adenomatous polyposis 1. Last evaluated: 2024-06-16. Review status: criteria provided, single submitter. Criteria: Invitae Variant Classification Sherloc (09022015). Collection method: clinical testing. Allele origin: germline.
Comment: This variant occurs in a non-coding region of the APC gene. It does not change the encoded amino acid sequence of the APC protein. This variant is not present in population databases (gnomAD no frequency). This variant has not been reported in the literature in individuals affected with APC-related conditions. Experimental studies and prediction algorithms are not available or were not evaluated, and the functional significance of this variant is currently unknown. In summary, the available evidence is currently insufficient to determine the role of this variant in disease. Therefore, it has been classified as a Variant of Uncertain Significance.

NM_001127511.3(APC):c.-123del

Gene: APC (APC regulator of Wnt signaling pathway; plus strand). Cytogenetic location: 5q22.2.
Variant type: Deletion.
Coding change: c.-123del on transcript NM_001127511.3; 123 bases upstream of the start codon, one base deleted (C; older notation c.-123delC).
Molecular consequence: 5 prime UTR variant. On other transcripts: non-coding transcript variant (2).
Genome position (GRCh38, 1-based): chr5:112,707,595, C deleted; the last of 2 consecutive C bases (chr5:112,707,594-112,707,595); deleting either gives the same sequence. VCF-style (leftmost placement, unchanged base first): chr5-112707593-AC-A. GRCh37 (hg19) VCF-style: chr5-112043290-AC-A.
Other names: c.-306del (NM_001407447.1, NM_001407452.1, NM_001407456.1 and 3 more transcripts); c.-73del (NM_001407448.1, NM_001407450.1, NM_001407457.1 and 1 more transcripts); c.-97del (NM_001407453.1); c.-1341del (NM_001407470.1, NM_001407472.1); c.-123del (NM_001354897.2, NM_001354902.2, NM_001407446.1).
Identifiers: ClinVar variation 3387148 (VCV003387148.3).